The following is an entry in ClinVar:

NM_014283.5(SUCO):c.293C>T (p.Thr98Ile)

Gene: SUCO (SUN domain containing ossification factor; plus strand). Cytogenetic location: 1q24.3.
Variant type: single nucleotide variant.
Coding change: c.293C>T on transcript NM_014283.5 (MANE Select); coding-DNA position 293, C replaced by T.
Protein change: p.Thr98Ile; replaces threonine 98 with isoleucine.
Molecular consequence: missense variant. On other transcripts: 5 prime UTR variant (1).
Genome position (GRCh38, 1-based): chr1:172,555,873, C>T. VCF-style: chr1-172555873-C-T. GRCh37 (hg19) VCF-style: chr1-172525013-C-T.
Other names: c.182C>T, p.Thr61Ile (NM_001282750.2); c.-1237C>T (NM_001282751.2); c.767C>T, p.Thr256Ile (NM_016227.4); short protein forms T256I, T98I, T61I.
Identifiers: ClinVar variation 4591109 (VCV004591109.2).

ClinVar aggregate classification (germline): Uncertain significance. Review status: criteria provided, multiple submitters, no conflicts (2 of 4 stars). 2 submissions from 2 submitters: Uncertain significance (2). Last evaluated 2025-10-18.

gnomAD v4.1: 5 of 1,608,338 alleles (0.00031%); highest among the groups gnomAD compares: Admixed American, 0.005%; no homozygotes.

Submissions (2):

Ambry Genetics
Classification: Uncertain significance. Last evaluated: 2025-10-18. Review status: criteria provided, single submitter. Criteria: Ambry Variant Classification Scheme 2023. Collection method: clinical testing. Allele origin: germline.

Labcorp Genetics (formerly Invitae), Labcorp
Classification: Uncertain significance. Last evaluated: 2025-09-16. Review status: criteria provided, single submitter. Criteria: Invitae Variant Classification Sherloc (09022015). Collection method: clinical testing. Allele origin: germline.
Comment: This sequence change replaces threonine, which is neutral and polar, with isoleucine, which is neutral and non-polar, at codon 98 of the SUCO protein (p.Thr98Ile). This variant is present in population databases (no rsID available, gnomAD 0.003%). This variant has not been reported in the literature in individuals affected with SUCO-related conditions. An algorithm developed to predict the effect of missense changes on protein structure and function (PolyPhen-2) suggests that this variant is likely to be tolerated. In summary, the available evidence is currently insufficient to determine the role of this variant in disease. Therefore, it has been classified as a Variant of Uncertain Significance.